The following is an entry in ClinVar:

NM_001080453.3(INTS1):c.3908C>G (p.Thr1303Ser)

Gene: INTS1 (integrator complex subunit 1; minus strand). Cytogenetic location: 7p22.3.
Variant type: single nucleotide variant.
Coding change: c.3908C>G on transcript NM_001080453.3 (MANE Select); coding-DNA position 3908, C replaced by G.
Protein change: p.Thr1303Ser; replaces threonine 1303 with serine.
Molecular consequence: missense variant.
Genome position (GRCh38, 1-based): chr7:1,480,876, G>C on the plus strand (C>G on the coding strand, the complement: INTS1 is on the minus strand). VCF-style: chr7-1480876-G-C. GRCh37 (hg19) VCF-style: chr7-1520512-G-C.
Other names: short protein forms T1303S.
Identifiers: ClinVar variation 3340240 (VCV003340240.1).
Genomic context (GRCh38, chr7:1,480,876, plus strand): 5'-CCCCACCCCTCCCCAGTACCTCGGCGGGGCGGCAGGGAGGCTGTGAGCAAGGAGTGGAAA[G>C]TCTGGCCTCCGGAGGCGCCGCGCTCATGCTGGACCTCCACCAGGTGGGCCATGTAATCTG-3'
Protein context (NP_001073922.2, residues 1293-1313): QHERGASGGQ[Thr1303Ser]FHSLLTASLP

ClinVar aggregate classification (germline): Uncertain significance (1 of 4 stars; one submission).

gnomAD v4.1: 991 of 1,556,640 alleles (0.064%); highest among the groups gnomAD compares: Non-Finnish European, 0.072%; 1 homozygote.

Submission:

GeneDx
Classification: Uncertain significance. Last evaluated: 2023-11-27. Review status: criteria provided, single submitter. Criteria: GeneDx Variant Classification Process June 2021. Collection method: clinical testing. Allele origin: germline. Affected: yes.
Comment: Reported previously as a variant of uncertain significance in the compound heterozygous state in a patient with global developmental delay, intellectual disability, astigmatism, obesity, 2-3 toe syndactyly, and hypo/hyperpigmentation (PMID: 36778464); In silico analysis supports that this missense variant does not alter protein structure/function; This variant is associated with the following publications: (PMID: 36778464)